The following is an entry in ClinVar:

NM_001851.6(COL9A1):c.298A>G (p.Arg100Gly)

Gene: COL9A1 (collagen type IX alpha 1 chain; minus strand). Cytogenetic location: 6q13.
Variant type: single nucleotide variant.
Coding change: c.298A>G on transcript NM_001851.6 (MANE Select); coding-DNA position 298, A replaced by G.
Protein change: p.Arg100Gly; replaces arginine 100 with glycine.
Molecular consequence: missense variant.
Genome position (GRCh38, 1-based): chr6:70,300,044, T>C on the plus strand (A>G on the coding strand, the complement: COL9A1 is on the minus strand). VCF-style: chr6-70300044-T-C. GRCh37 (hg19) VCF-style: chr6-71009747-T-C.
Other names: c.298A>G, p.Arg100Gly (NM_001377291.1); short protein forms R100G.
Identifiers: ClinVar variation 2114258 (VCV002114258.1), dbSNP rs2483518252, ClinGen allele CA364674029.

ClinVar aggregate classification (germline): Uncertain significance (1 of 4 stars; one submission).

Allele frequency attached by ClinVar (database versions not stated): gnomAD exomes below 0.00001.
gnomAD v4.1: 1 of 1,613,624 alleles (0.000062%); no homozygotes.

Submission:

Labcorp Genetics (formerly Invitae), Labcorp
Classification: Uncertain significance. Last evaluated: 2022-03-19. Review status: criteria provided, single submitter. Criteria: Invitae Variant Classification Sherloc (09022015). Collection method: clinical testing. Allele origin: germline.
Comment: This sequence change replaces arginine, which is basic and polar, with glycine, which is neutral and non-polar, at codon 100 of the COL9A1 protein (p.Arg100Gly). This variant is not present in population databases (gnomAD no frequency). This variant has not been reported in the literature in individuals affected with COL9A1-related conditions. Algorithms developed to predict the effect of missense changes on protein structure and function are either unavailable or do not agree on the potential impact of this missense change (SIFT: "Deleterious"; PolyPhen-2: "Not Available"; Align-GVGD: "Class C0"). Algorithms developed to predict the effect of sequence changes on RNA splicing suggest that this variant may disrupt the consensus splice site. In summary, the available evidence is currently insufficient to determine the role of this variant in disease. Therefore, it has been classified as a Variant of Uncertain Significance.